The following is an entry in ClinVar:

NM_032578.4(MYPN):c.108del (p.Glu36fs)

Gene: MYPN (myopalladin; plus strand). Cytogenetic location: 10q21.3.
Variant type: Deletion.
Coding change: c.108del on transcript NM_032578.4 (MANE Select); coding-DNA position 108, one base deleted (G; older notation c.108delG).
Protein change: p.Glu36fs; shifts the reading frame from glutamic acid 36.
Molecular consequence: frameshift variant. On other transcripts: 5 prime UTR variant (1), non-coding transcript variant (1).
Genome position (GRCh38, 1-based): chr10:68,121,546, G deleted. VCF-style (leftmost placement, unchanged base first): chr10-68121545-AG-A. GRCh37 (hg19) VCF-style: chr10-69881302-AG-A.
Other names: c.108del, p.Glu36fs (NM_001256267.2); c.-1015del (NM_001256268.2); short protein forms E36fs.
Identifiers: ClinVar variation 2497229 (VCV002497229.2), dbSNP rs2495460252, ClinGen allele CA2580081717.

ClinVar aggregate classification (germline): Uncertain significance (1 of 4 stars; one submission).

Conditions:
Cardiovascular phenotype. Identifiers: MedGen CN230736.

Submission:

Ambry Genetics
Classification: Uncertain significance for Cardiovascular phenotype. Last evaluated: 2023-02-07. Review status: criteria provided, single submitter. Criteria: Ambry Variant Classification Scheme 2023. Collection method: clinical testing. Allele origin: germline.
Comment: The c.108delG variant, located in coding exon 1 of the MYPN gene, results from a deletion of one nucleotide at nucleotide position 108, causing a translational frameshift with a predicted alternate stop codon (p.E36Dfs*32). This region of the MYPN gene is excluded from other biologically relevant MYPN transcripts. Since supporting evidence is limited at this time, the clinical significance of this alteration remains unclear.